The following is an entry in ClinVar:

NM_000059.4(BRCA2):c.7117_7121del (p.Ser2373fs)

Gene: BRCA2 (BRCA2 DNA repair associated; plus strand). Cytogenetic location: 13q13.1.
Variant type: Deletion.
Coding change: c.7117_7121del on transcript NM_000059.4 (MANE Select); coding-DNA positions 7117 to 7121, 5 bases deleted (AGCAA; older notation c.7117_7121delAGCAA).
Protein change: p.Ser2373fs; shifts the reading frame from serine 2373.
Molecular consequence: frameshift variant.
Genome position (GRCh38, 1-based): chr13:32,354,970-32,354,974, AGCAA deleted; deleting any 5 consecutive bases within chr13:32,354,969-32,354,974 gives the same sequence; the c. name uses the placement nearest the transcript's 3' end. VCF-style (leftmost placement, unchanged base first): chr13-32354968-CAAGCA-C. GRCh37 (hg19) VCF-style: chr13-32929105-CAAGCA-C.
Other names: c.7021_7025delAGCAA, p.Ser2341Phefs (NM_001406719.1); c.7117_7121delAGCAA, p.Ser2373Phefs (NM_001406720.1); c.2185_2189delAGCAA, p.Ser729Phefs (NM_001406721.1); c.700_704delAGCAA, p.Ser234Phefs (NM_001406722.1); short protein forms S2373fs.
Identifiers: ClinVar variation 1757240 (VCV001757240.2), dbSNP rs2548540121, ClinGen allele CA2580087395.

ClinVar aggregate classification (germline): Pathogenic (1 of 4 stars; one submission).

Conditions:
Hereditary cancer-predisposing syndrome. Also called: Neoplastic Syndromes, Hereditary; Tumor predisposition; Hereditary Cancer Syndrome; Hereditary neoplastic syndrome. Identifiers: Orphanet 140162, MedGen C0027672, MeSH D009386, MONDO:0015356.

Submission:

Ambry Genetics
Classification: Pathogenic for Hereditary cancer-predisposing syndrome. Last evaluated: 2022-08-18. Review status: criteria provided, single submitter. Criteria: Ambry Variant Classification Scheme 2023. Collection method: clinical testing. Allele origin: germline.
Comment: The c.7117_7121delAGCAA pathogenic mutation, located in coding exon 13 of the BRCA2 gene, results from a deletion of 5 nucleotides at nucleotide positions 7117 to 7121, causing a translational frameshift with a predicted alternate stop codon (p.S2373Ffs*17). This variant is considered to be rare based on population cohorts in the Genome Aggregation Database (gnomAD). This alteration is expected to result in loss of function by premature protein truncation or nonsense-mediated mRNA decay. As such, this alteration is interpreted as a disease-causing mutation.